The following is an entry in ClinVar:

ClinVar aggregate classification (germline): Likely pathogenic (1 of 4 stars; one submission).

Conditions:
Polycystic kidney disease 4 (PKD4). Also called: POLYCYSTIC KIDNEY DISEASE 4 WITH OR WITHOUT POLYCYSTIC LIVER DISEASE; POLYCYSTIC KIDNEY AND HEPATIC DISEASE 1; POLYCYSTIC KIDNEY DISEASE, INFANTILE, TYPE I; PKD3; Autosomal Recessive Polycystic Kidney Disease – PKHD1. Identifiers: MedGen C4540575, MONDO:0033004, OMIM 263200.

Submission:

Juno Genomics, Hangzhou Juno Genomics, Inc
Classification: Likely pathogenic for Polycystic kidney disease 4. Review status: criteria provided, single submitter. Criteria: ACMG Guidelines, 2015. Collection method: clinical testing. Allele origin: germline.
Comment: Null variant in a gene where loss of function (LOF) is a known mechanism of disease.;Absent from controls (or at extremely low frequency if recessive) in Genome Aggregation Database.

NM_138694.4(PKHD1):c.4540del (p.Asp1514fs)

Gene: PKHD1 (PKHD1 ciliary IPT domain containing fibrocystin/polyductin; minus strand). Cytogenetic location: 6p12.2.
Variant type: Deletion.
Coding change: c.4540del on transcript NM_138694.4 (MANE Select); coding-DNA position 4540, one base deleted (G; older notation c.4540delG).
Protein change: p.Asp1514fs; shifts the reading frame from aspartic acid 1514.
Molecular consequence: frameshift variant.
Genome position (GRCh38, 1-based): chr6:52,025,270, C deleted on the plus strand (G on the coding strand, the reverse complement: PKHD1 is on the minus strand). VCF-style (leftmost placement, unchanged base first): chr6-52025269-TC-T. GRCh37 (hg19) VCF-style: chr6-51890067-TC-T.
Other names: c.4540del, p.Asp1514fs (NM_170724.3); short protein forms D1514fs.
Identifiers: ClinVar variation 5007082 (VCV005007082.2).
Genomic context (GRCh38, chr6:52,025,269, plus strand): 5'-CTTGCATTAAAAAAAGTTACATTGCAAGGAAGTTGATCATCCACAAATACCATCGGCTCA[TC>T]AGCTGTGGTGGCTAACCTCTGACCCCTAATCAGCACAGTGGTCAGAGACCCACTGGTGTT-3'